The following is an entry in ClinVar:

NM_001365276.2(TNXB):c.9643G>A (p.Glu3215Lys)

Gene: TNXB (tenascin XB; minus strand). Cytogenetic location: 6p21.33.
Variant type: single nucleotide variant.
Coding change: c.9643G>A on transcript NM_001365276.2 (MANE Select); coding-DNA position 9643, G replaced by A.
Protein change: p.Glu3215Lys; replaces glutamic acid 3215 with lysine.
Molecular consequence: missense variant.
Genome position (GRCh38, 1-based): chr6:32,049,384, C>T on the plus strand (G>A on the coding strand, the complement: TNXB is on the minus strand). VCF-style: chr6-32049384-C-T. GRCh37 (hg19) VCF-style: chr6-32017161-C-T.
Other names: p.Glu3213Lys; c.9637G>A, p.Glu3213Lys (NM_019105.8); short protein forms E3213K, E3215K.
Identifiers: ClinVar variation 1238266 (VCV001238266.11), dbSNP rs2075563, ClinGen allele CA3733455.
Genomic context (GRCh38, chr6:32,049,384, plus strand): 5'-ACAGATGCATCTTGTATTTGCGCCCGGGCTCCAGGCCCCCCACGGTGACCTCGCTCTCCT[C>T]GCCCCTGACACGCACCACCTGGGGCTGCCCGTCCCTGTCCTTGTACTGCACGGTGAAGGA-3'
Protein context (NP_001352205.1, residues 3205-3225): GQPQVVRVRG[Glu3215Lys]ESEVTVGGLE

ClinVar aggregate classification (germline): Benign/Likely benign. Review status: criteria provided, multiple submitters, no conflicts (2 of 4 stars). 6 submissions from 6 submitters: Benign (5); Likely benign (1). Last evaluated 2026-02-04.

Conditions:
Ehlers-Danlos syndrome (EDS). Identifiers: Orphanet 98249, MedGen C0013720, MONDO:0020066.
Cardiovascular phenotype. Identifiers: MedGen CN230736.

Allele frequency attached by ClinVar (database versions not stated): gnomAD 0.00198 and 0.00297; TOPMed 0.00339; ExAC 0.00613; gnomAD exomes 0.00629; 1000 Genomes Project 30x 0.01280; 1000 Genomes Project 0.01398.
gnomAD v4.1: 4,661 of 1,612,558 alleles (0.29%); highest among the groups gnomAD compares: East Asian, 7.3%; 150 homozygotes.

Submissions (6):

Labcorp Genetics (formerly Invitae), Labcorp
Classification: Benign. Last evaluated: 2026-02-04. Review status: criteria provided, single submitter. Criteria: Invitae Variant Classification Sherloc (09022015). Collection method: clinical testing. Allele origin: germline.

Women's Health and Genetics/Laboratory Corporation of America, LabCorp
Classification: Likely benign. Last evaluated: 2026-01-22. Review status: criteria provided, single submitter. Criteria: LabCorp Variant Classification Summary - May 2015. Collection method: clinical testing. Allele origin: germline.

Mayo Clinic Laboratories, Mayo Clinic
Classification: Benign. Last evaluated: 2024-08-21. Review status: criteria provided, single submitter. Criteria: ACMG Guidelines, 2015. Collection method: clinical testing. Allele origin: germline. Observed: 6 variant alleles.
Comment: BA1

GeneDx
Classification: Benign. Last evaluated: 2020-12-04. Review status: criteria provided, single submitter. Criteria: GeneDx Variant Classification Process June 2021. Collection method: clinical testing. Allele origin: germline. Affected: yes.

Genome Diagnostics Laboratory, The Hospital for Sick Children
Classification: Benign for Ehlers-Danlos syndrome. Last evaluated: 2020-07-10. Review status: criteria provided, single submitter. Criteria: ACMG Guidelines, 2015. Collection method: clinical testing. Allele origin: germline.

Ambry Genetics
Classification: Benign for Cardiovascular phenotype. Last evaluated: 2019-03-04. Review status: criteria provided, single submitter. Criteria: Ambry Variant Classification Scheme 2023. Collection method: clinical testing. Allele origin: germline.